The following is an entry in ClinVar:

ClinVar aggregate classification (germline): Uncertain significance (1 of 4 stars; one submission).

Conditions:
ALG1-congenital disorder of glycosylation. Also called: ALG1-CDG; CONGENITAL DISORDER OF GLYCOSYLATION, TYPE Ik; CDG Ik. Identifiers: Orphanet 79327, MedGen C2931005, MONDO:0012052, OMIM 608540.

Submission:

Labcorp Genetics (formerly Invitae), Labcorp
Classification: Uncertain significance for ALG1-congenital disorder of glycosylation. Last evaluated: 2023-12-11. Review status: criteria provided, single submitter. Criteria: Invitae Variant Classification Sherloc (09022015). Collection method: clinical testing. Allele origin: germline.
Comment: This sequence change replaces glycine, which is neutral and non-polar, with tryptophan, which is neutral and slightly polar, at codon 268 of the ALG1 protein (p.Gly268Trp). The frequency data for this variant in the population databases is considered unreliable, as metrics indicate poor data quality at this position in the gnomAD database. This variant has not been reported in the literature in individuals affected with ALG1-related conditions. ClinVar contains an entry for this variant (Variation ID: 2073946). Advanced modeling of protein sequence and biophysical properties (such as structural, functional, and spatial information, amino acid conservation, physicochemical variation, residue mobility, and thermodynamic stability) has been performed at Invitae for this missense variant, however the output from this modeling did not meet the statistical confidence thresholds required to predict the impact of this variant on ALG1 protein function. In summary, the available evidence is currently insufficient to determine the role of this variant in disease. Therefore, it has been classified as a Variant of Uncertain Significance.

NM_019109.5(ALG1):c.802G>T (p.Gly268Trp)

Gene: ALG1 (ALG1 chitobiosyldiphosphodolichol beta-mannosyltransferase; plus strand). Cytogenetic location: 16p13.3.
Variant type: single nucleotide variant.
Coding change: c.802G>T on transcript NM_019109.5 (MANE Select); coding-DNA position 802, G replaced by T.
Protein change: p.Gly268Trp; replaces glycine 268 with tryptophan.
Molecular consequence: missense variant.
Genome position (GRCh38, 1-based): chr16:5,078,818, G>T. VCF-style: chr16-5078818-G-T. GRCh37 (hg19) VCF-style: chr16-5128819-G-T.
Other names: c.469G>T, p.Gly157Trp (NM_001330504.2); short protein forms G157W, G268W.
Identifiers: ClinVar variation 2073946 (VCV002073946.2), dbSNP rs148611855, ClinGen allele CA394681793.